The following is an entry in ClinVar:

ClinVar aggregate classification (germline): Likely benign (0 of 4 stars; one submission).

Conditions:
DGKQ-related disorder. Also called: DGKQ-related condition.

Allele frequency attached by ClinVar (database versions not stated): gnomAD 0.00005.
gnomAD v4.1: 78 of 1,583,192 alleles (0.0049%); highest among the groups gnomAD compares: Middle Eastern, 0.018%; no homozygotes.

Submission:

PreventionGenetics, part of Exact Sciences
Classification: Likely benign for DGKQ-related condition. Last evaluated: 2019-02-28. Review status: no assertion criteria provided. Collection method: clinical testing. Allele origin: germline.
Comment: This variant is classified as likely benign based on ACMG/AMP sequence variant interpretation guidelines (Richards et al. 2015 PMID: 25741868, with internal and published modifications).

NM_001347.4(DGKQ):c.538-10C>T

Gene: DGKQ (diacylglycerol kinase theta; minus strand). Cytogenetic location: 4p16.3.
Variant type: single nucleotide variant.
Coding change: c.538-10C>T on transcript NM_001347.4 (MANE Select); 10 bases into the intron before coding-DNA position 538, C replaced by T.
Molecular consequence: intron variant.
Genome position (GRCh38, 1-based): chr4:968,417, G>A on the plus strand (C>T on the coding strand, the complement: DGKQ is on the minus strand). VCF-style: chr4-968417-G-A. GRCh37 (hg19) VCF-style: chr4-962205-G-A.
Identifiers: ClinVar variation 3046878 (VCV003046878.2), dbSNP rs773803693, ClinGen allele CA2800890.